The following is an entry in ClinVar:

ClinVar aggregate classification (germline): Conflicting classifications of pathogenicity. Review status: criteria provided, conflicting classifications (1 of 4 stars). 5 submissions from 5 submitters: Uncertain significance (4); Likely benign (1). Last evaluated 2025-12-15.

Conditions:
MFN2-related disorder. Also called: MFN2-related disorders; MFN2-related condition.
Inborn genetic diseases. Identifiers: MedGen C0950123, MeSH D030342.
Charcot-Marie-Tooth disease, axonal, autosomal recessive, type 2a2b;. Also called: Charcot-Marie-Tooth disease, axonal, type 2A2B; Charcot-Marie-Tooth disease, axonal, autosomal recessive, type 2A2B. Identifiers: MedGen C4310725, MONDO:0014906, OMIM 617087.
Charcot-Marie-Tooth disease type 2. Also called: Charcot-Marie-Tooth type 2. Identifiers: Orphanet 64746, MedGen C0270914, MONDO:0018993.

Allele frequency attached by ClinVar (database versions not stated): ExAC 0.00001; ESP Exome Variant Server 0.00008; gnomAD exomes 0.00010; gnomAD 0.00024; TOPMed 0.00024.
gnomAD v4.1: 93 of 1,614,150 alleles (0.0058%); highest among the groups gnomAD compares: Admixed American, 0.098%; 1 homozygote.

Submissions (5):

Labcorp Genetics (formerly Invitae), Labcorp
Classification: Likely benign for Charcot-Marie-Tooth disease type 2. Last evaluated: 2025-12-15. Review status: criteria provided, single submitter. Criteria: Invitae Variant Classification Sherloc (09022015). Collection method: clinical testing. Allele origin: germline.

PreventionGenetics, part of Exact Sciences
Classification: Uncertain significance for MFN2-related condition. Last evaluated: 2025-04-01. Review status: criteria provided, single submitter. Criteria: ACMG Guidelines, 2015. Collection method: clinical testing. Allele origin: germline.
Comment: The MFN2 c.1101G>C variant is predicted to result in the amino acid substitution p.Gln367His. This variant was reported with a second MFN2 variant in an individual with Charcot-Marie-Tooth disease (Supp. Table 5, Pipis et al. 2020. PubMed ID: 33415332). This variant was also reported as a variant of uncertain significance in an individual from a large cohort study of Charcot-Marie-Tooth disease; however, additional evidence was not provided (Volodarsky et al. 2021. PubMed ID: 32376792). This variant is reported in 0.069% of alleles in individuals of Latino descent in gnomAD, including 1 homozygous individual. At this time, the clinical significance of this variant is uncertain due to the absence of conclusive functional and genetic evidence.

3billion
Classification: Uncertain significance for Charcot-Marie-Tooth disease, axonal, autosomal recessive, type 2a2b;. Last evaluated: 2024-07-30. Review status: criteria provided, single submitter. Criteria: ACMG Guidelines, 2015. Collection method: clinical testing. Allele origin: germline. Affected: yes.
Comment: The variant is observed at an extremely low frequency in the gnomAD v4.0.0 dataset (total allele frequency: 0.006%). Damaging effect on gene or gene product predicted by in silico programs is uncertain [REVEL: 0.53 (damaging >=0.6, benign <0.4), 3Cnet: 0.44 (damaging >=0.6, benign <0.15)]. The same nucleotide change resulting in the same amino acid change has been previously reported to be associated with MFN2-related disorder (ClinVar ID: VCV000439898 / PMID: 33415332 / 3billion dataset). A different missense change at the same codon (p.Gln367Pro) has been reported to be associated with MFN2 related disorder (ClinVar ID: VCV002202705 / PMID: 26801520). Therefore, this variant is classified as uncertain significance according to the recommendation of ACMG/AMP guideline.

Ambry Genetics
Classification: Uncertain significance for Inborn genetic diseases. Last evaluated: 2021-01-13. Review status: criteria provided, single submitter. Criteria: Ambry Variant Classification Scheme 2023. Collection method: clinical testing. Allele origin: germline.
Comment: The p.Q367H variant (also known as c.1101G>C), located in coding exon 9 of the MFN2 gene, results from a G to C substitution at nucleotide position 1101. The glutamine at codon 367 is replaced by histidine, an amino acid with highly similar properties. This amino acid position is highly conserved in available vertebrate species. In addition, the in silico prediction for this alteration is inconclusive. Based on the supporting evidence, this variant is unlikely to be causative of Charcot-Marie-Tooth disease, axonal, type 2A2A and/or hereditary motor and sensory neuropathy VIA; however, its contribution to the development of Charcot-Marie-Tooth disease, axonal, type 2A2B is uncertain.

ARUP Laboratories, Molecular Genetics and Genomics, ARUP Laboratories
Classification: Uncertain significance. Last evaluated: 2017-04-05. Review status: criteria provided, single submitter. Criteria: ARUP Molecular Germline Variant Investigation Process. Collection method: clinical testing. Allele origin: germline.

NM_014874.4(MFN2):c.1101G>C (p.Gln367His)

Gene: MFN2 (mitofusin 2; plus strand). Cytogenetic location: 1p36.22.
Variant type: single nucleotide variant.
Coding change: c.1101G>C on transcript NM_014874.4 (MANE Select); coding-DNA position 1101, G replaced by C.
Protein change: p.Gln367His; replaces glutamine 367 with histidine.
Molecular consequence: missense variant.
Genome position (GRCh38, 1-based): chr1:12,002,044, G>C. VCF-style: chr1-12002044-G-C. GRCh37 (hg19) VCF-style: chr1-12062101-G-C.
Other names: c.1101G>C, p.Gln367His (NM_001127660.2); short protein forms Q367H.
Identifiers: ClinVar variation 439898 (VCV000439898.21), dbSNP rs373211062, ClinGen allele CA599009.